The following is an entry in ClinVar:

ClinVar aggregate classification (germline): Uncertain significance (1 of 4 stars; one submission).

Submission:

Labcorp Genetics (formerly Invitae), Labcorp
Classification: Uncertain significance. Last evaluated: 2023-07-29. Review status: criteria provided, single submitter. Criteria: Invitae Variant Classification Sherloc (09022015). Collection method: clinical testing. Allele origin: germline.
Comment: In summary, the available evidence is currently insufficient to determine the role of this variant in disease. Therefore, it has been classified as a Variant of Uncertain Significance. This sequence change replaces tryptophan, which is neutral and slightly polar, with glycine, which is neutral and non-polar, at codon 106 of the SOX17 protein (p.Trp106Gly). This variant is not present in population databases (gnomAD no frequency). This variant has not been reported in the literature in individuals affected with SOX17-related conditions. Advanced modeling of protein sequence and biophysical properties (such as structural, functional, and spatial information, amino acid conservation, physicochemical variation, residue mobility, and thermodynamic stability) performed at Invitae indicates that this missense variant is expected to disrupt SOX17 protein function.

NM_022454.4(SOX17):c.316T>G (p.Trp106Gly)

Gene: SOX17 (SRY-box transcription factor 17; plus strand). Cytogenetic location: 8q11.23.
Variant type: single nucleotide variant.
Coding change: c.316T>G on transcript NM_022454.4 (MANE Select); coding-DNA position 316, T replaced by G.
Protein change: p.Trp106Gly; replaces tryptophan 106 with glycine.
Molecular consequence: missense variant.
Genome position (GRCh38, 1-based): chr8:54,459,066, T>G. VCF-style: chr8-54459066-T-G. GRCh37 (hg19) VCF-style: chr8-55371626-T-G.
Other names: short protein forms W106G.
Identifiers: ClinVar variation 2748071 (VCV002748071.3), dbSNP rs2129277993, ClinGen allele CA371024181.